The following is an entry in ClinVar:

NM_006031.6(PCNT):c.6281C>G (p.Thr2094Ser)

Gene: PCNT (pericentrin; plus strand). Cytogenetic location: 21q22.3.
Variant type: single nucleotide variant.
Coding change: c.6281C>G on transcript NM_006031.6 (MANE Select); coding-DNA position 6281, C replaced by G.
Protein change: p.Thr2094Ser; replaces threonine 2094 with serine.
Molecular consequence: missense variant.
Genome position (GRCh38, 1-based): chr21:46,416,199, C>G. VCF-style: chr21-46416199-C-G. GRCh37 (hg19) VCF-style: chr21-47836113-C-G.
Other names: c.5927C>G, p.Thr1976Ser (NM_001315529.2); short protein forms T1976S, T2094S.
Identifiers: ClinVar variation 1337583 (VCV001337583.4), dbSNP rs1426784720, ClinGen allele CA410562668.

ClinVar aggregate classification (germline): Uncertain significance (1 of 4 stars; one submission).

Allele frequency attached by ClinVar (database versions not stated): gnomAD exomes below 0.00001; TOPMed below 0.00001; gnomAD 0.00001.
gnomAD v4.1: 3 of 1,614,086 alleles (0.00019%); highest among the groups gnomAD compares: Non-Finnish European, 0.00025%; no homozygotes.

Submission:

Genetic Services Laboratory, University of Chicago
Classification: Uncertain significance. Last evaluated: 2020-04-28. Review status: criteria provided, single submitter. Criteria: ACMG Guidelines, 2015. Collection method: clinical testing. Allele origin: germline. Affected: no.
Comment: DNA sequence analysis of the PCNT gene demonstrated a sequence change, c.6281C>G, in exon 30 that results in an amino acid change, p.Thr2094Ser. This sequence change is absent from known population databases (gnomAD). The p.Thr2094Ser change affects a poorly conserved amino acid residue located in a domain of the PCNT protein that is not known to be functional. The p.Thr2094Ser substitution appears to be benign using several in-silico pathogenicity prediction tools (SIFT, PolyPhen2, Align GVGD, REVEL). This sequence change does not appear to have been previously described in patients with PCNT-related disorders and has also not been described as a known benign sequence change in the PCNT gene. Due to the lack of sufficient evidences, the clinical significance of the p.Thr2094Ser change remains unknown at this time.